The following is an entry in ClinVar:

ClinVar aggregate classification (germline): Uncertain significance (1 of 4 stars; one submission).

gnomAD v4.1: 70 of 1,613,926 alleles (0.0043%); highest among the groups gnomAD compares: Non-Finnish European, 0.0051%; no homozygotes.

Submission:

Labcorp Genetics (formerly Invitae), Labcorp
Classification: Uncertain significance. Last evaluated: 2024-11-05. Review status: criteria provided, single submitter. Criteria: Invitae Variant Classification Sherloc (09022015). Collection method: clinical testing. Allele origin: germline.
Comment: This sequence change replaces arginine, which is basic and polar, with histidine, which is basic and polar, at codon 777 of the AGAP1 protein (p.Arg777His). This variant is present in population databases (rs771654850, gnomAD 0.005%). This variant has not been reported in the literature in individuals affected with AGAP1-related conditions. ClinVar contains an entry for this variant (Variation ID: 2414884). An algorithm developed to predict the effect of missense changes on protein structure and function (PolyPhen-2) suggests that this variant is likely to be tolerated. In summary, the available evidence is currently insufficient to determine the role of this variant in disease. Therefore, it has been classified as a Variant of Uncertain Significance.

NM_001037131.3(AGAP1):c.2489G>A (p.Arg830His)

Gene: AGAP1 (ArfGAP with GTPase domain, ankyrin repeat and PH domain 1; plus strand). Cytogenetic location: 2q37.2.
Variant type: single nucleotide variant.
Coding change: c.2489G>A on transcript NM_001037131.3 (MANE Select); coding-DNA position 2489, G replaced by A.
Protein change: p.Arg830His; replaces arginine 830 with histidine.
Molecular consequence: missense variant.
Genome position (GRCh38, 1-based): chr2:236,124,037, G>A. VCF-style: chr2-236124037-G-A. GRCh37 (hg19) VCF-style: chr2-237032681-G-A.
Other names: c.2330G>A, p.Arg777His (NM_014914.5); short protein forms R777H, R830H.
Identifiers: ClinVar variation 2414884 (VCV002414884.6), dbSNP rs771654850, ClinGen allele CA2185309.
Genomic context (GRCh38, chr2:236,124,037, plus strand): 5'-GGCAGGCCTCCAGCCAGGAGTGCATCGACGTGCTGCTGCAGTACGGCTGCCCCGACGAGC[G>A]CTTCGTGCTCATGGCCACCCCTAACCTGTCCAGGAGAAACAATAACCGGAACAACAGCAG-3'
Protein context (NP_001032208.1, residues 820-840): VLLQYGCPDE[Arg830His]FVLMATPNLS